The following is an entry in ClinVar:

ClinVar aggregate classification (germline): Benign/Likely benign. Review status: criteria provided, multiple submitters, no conflicts (2 of 4 stars). 5 submissions from 5 submitters: Benign (1); Likely benign (4). Last evaluated 2025-10-21.

Conditions:
SPTLC2-related disorder. Also called: SPTLC2-related condition.
Neuropathy, hereditary sensory and autonomic, type 1C. Also called: HSAN IC; HSN IC. Identifiers: Orphanet 36386, MedGen C3150896, MONDO:0013337, OMIM 613640.
Inborn genetic diseases. Identifiers: MedGen C0950123, MeSH D030342.

Allele frequency attached by ClinVar (database versions not stated): TOPMed 0.00006; gnomAD exomes 0.00007 and 0.00015; gnomAD 0.00010; ExAC 0.00017.
gnomAD v4.1: 133 of 1,613,838 alleles (0.0082%); highest among the groups gnomAD compares: Non-Finnish European, 0.0022%; no homozygotes.

Submissions (5):

PreventionGenetics, part of Exact Sciences
Classification: Likely benign for SPTLC2-related condition. Last evaluated: 2025-10-21. Review status: criteria provided, single submitter. Criteria: ACMG Guidelines, 2015. Collection method: clinical testing. Allele origin: germline.
Comment: This variant is classified as likely benign based on ACMG/AMP sequence variant interpretation guidelines (Richards et al. 2015 PMID: 25741868, with internal and published modifications).

Labcorp Genetics (formerly Invitae), Labcorp
Classification: Likely benign for Neuropathy, hereditary sensory and autonomic, type 1C. Last evaluated: 2025-07-30. Review status: criteria provided, single submitter. Criteria: Invitae Variant Classification Sherloc (09022015). Collection method: clinical testing. Allele origin: germline.

GeneDx
Classification: Likely benign. Last evaluated: 2019-12-13. Review status: criteria provided, single submitter. Criteria: GeneDx Variant Classification Process June 2021. Collection method: clinical testing. Allele origin: germline. Affected: yes.

Ambry Genetics
Classification: Likely benign for Inborn genetic diseases. Last evaluated: 2019-07-11. Review status: criteria provided, single submitter. Criteria: Ambry Variant Classification Scheme 2023. Collection method: clinical testing. Allele origin: germline.

Illumina Laboratory Services, Illumina
Classification: Benign for Neuropathy, hereditary sensory and autonomic, type 1C. Last evaluated: 2018-01-13. Review status: criteria provided, single submitter. Criteria: ICSL Variant Classification Criteria 13 December 2019. Collection method: clinical testing. Allele origin: germline.
Comment: This variant was observed in the ICSL laboratory as part of a predisposition screen in an ostensibly healthy population. It had not been previously curated by ICSL or reported in the Human Gene Mutation Database (HGMD: prior to June 1st, 2018), and was therefore a candidate for classification through an automated scoring system. Utilizing variant allele frequency, disease prevalence and penetrance estimates, and inheritance mode, an automated score was calculated to assess if this variant is too frequent to cause the disease. Based on the score and internal cut-off values, a variant classified as benign is not then subjected to further curation. The score for this variant resulted in a classification of benign for this disease.

NM_004863.4(SPTLC2):c.763C>T (p.Leu255=)

Gene: SPTLC2 (serine palmitoyltransferase long chain base subunit 2; minus strand). Cytogenetic location: 14q24.3.
Variant type: single nucleotide variant.
Coding change: c.763C>T on transcript NM_004863.4 (MANE Select); coding-DNA position 763, C replaced by T.
Protein change: p.Leu255=; no amino-acid change (leucine 255 retained).
Molecular consequence: synonymous variant.
Genome position (GRCh38, 1-based): chr14:77,562,483, G>A on the plus strand (C>T on the coding strand, the complement: SPTLC2 is on the minus strand). VCF-style: chr14-77562483-G-A. GRCh37 (hg19) VCF-style: chr14-78028826-G-A.
Identifiers: ClinVar variation 314673 (VCV000314673.17), dbSNP rs773905221, ClinGen allele CA7289360.